The following is an entry in ClinVar:

ClinVar aggregate classification (germline): Likely pathogenic (1 of 4 stars; one submission).

Submission:

Labcorp Genetics (formerly Invitae), Labcorp
Classification: Likely pathogenic. Last evaluated: 2025-09-09. Review status: criteria provided, single submitter. Criteria: Invitae Variant Classification Sherloc (09022015). Collection method: clinical testing. Allele origin: germline.
Comment: This sequence change replaces glycine, which is neutral and non-polar, with glutamic acid, which is acidic and polar, at codon 761 of the COL4A1 protein (p.Gly761Glu). This variant is not present in population databases (gnomAD no frequency). This variant has not been reported in the literature in individuals affected with COL4A1-related conditions. Invitae Evidence Modeling of protein sequence and biophysical properties (such as structural, functional, and spatial information, amino acid conservation, physicochemical variation, residue mobility, and thermodynamic stability) indicates that this missense variant is expected to disrupt COL4A1 protein function with a positive predictive value of 95%. This variant disrupts the triple helix domain of COL4A1. Glycine residues within the Gly-Xaa-Yaa repeats of the triple helix domain are required for the structure and stability of fibrillar collagens (PMID: 7695699, 8218237, 19344236). In COL4A1 variants affecting these glycine residues are significantly enriched in individuals with disease (PMID: 9016532, 17078022) compared to the general population (ExAC). In summary, the currently available evidence indicates that the variant is pathogenic, but additional data are needed to prove that conclusively. Therefore, this variant has been classified as Likely Pathogenic.

Literature cited by the submitters: PubMed 7695699; PubMed 8218237; PubMed 19344236; PubMed 9016532; PubMed 17078022.

NM_001845.6(COL4A1):c.2282G>A (p.Gly761Glu)

Gene: COL4A1 (collagen type IV alpha 1 chain; minus strand). Cytogenetic location: 13q34.
Variant type: single nucleotide variant.
Coding change: c.2282G>A on transcript NM_001845.6 (MANE Select); coding-DNA position 2282, G replaced by A.
Protein change: p.Gly761Glu; replaces glycine 761 with glutamic acid.
Molecular consequence: missense variant.
Genome position (GRCh38, 1-based): chr13:110,179,333, C>T on the plus strand (G>A on the coding strand, the complement: COL4A1 is on the minus strand). VCF-style: chr13-110179333-C-T. GRCh37 (hg19) VCF-style: chr13-110831680-C-T.
Other names: short protein forms G761E.
Identifiers: ClinVar variation 4746044 (VCV004746044.1).